The following is an entry in ClinVar:

NM_001144967.3(NEDD4L):c.569T>A (p.Leu190His)

Gene: NEDD4L (NEDD4 like E3 ubiquitin protein ligase; plus strand). Cytogenetic location: 18q21.31.
Variant type: single nucleotide variant.
Coding change: c.569T>A on transcript NM_001144967.3 (MANE Select); coding-DNA position 569, T replaced by A.
Protein change: p.Leu190His; replaces leucine 190 with histidine.
Molecular consequence: missense variant.
Genome position (GRCh38, 1-based): chr18:58,325,051, T>A. VCF-style: chr18-58325051-T-A. GRCh37 (hg19) VCF-style: chr18-55992283-T-A.
Other names: c.206T>A, p.Leu69His (NM_001144964.1, NM_001144965.2, NM_001144966.3 and 2 more transcripts); c.545T>A, p.Leu182His (NM_001144968.2, NM_001144969.2); c.569T>A, p.Leu190His (NM_001243960.2, NM_015277.6); short protein forms L182H, L190H, L69H.
Identifiers: ClinVar variation 1304649 (VCV001304649.2), dbSNP rs1167552515, ClinGen allele CA402552607.

ClinVar aggregate classification (germline): Uncertain significance (1 of 4 stars; one submission).

gnomAD v4.1: 1 of 1,611,848 alleles (0.000062%); highest among the groups gnomAD compares: Non-Finnish European, 0.000085%; no homozygotes.

Submission:

GeneDx
Classification: Uncertain significance. Last evaluated: 2019-09-05. Review status: criteria provided, single submitter. Criteria: GeneDx Variant Classification Process June 2021. Collection method: clinical testing. Allele origin: germline. Affected: yes.
Comment: In silico analysis, which includes protein predictors and evolutionary conservation, supports that this variant does not alter protein structure/function; Has not been previously published as pathogenic or benign to our knowledge